The following is an entry in ClinVar:

ClinVar aggregate classification (germline): Likely benign (1 of 4 stars; one submission).

Allele frequency attached by ClinVar (database versions not stated): gnomAD exomes 0.00001; ExAC 0.00002; gnomAD 0.00003 and 0.00004; TOPMed 0.00003; 1000 Genomes Project 30x 0.00021; 1000 Genomes Project 0.00026.
gnomAD v4.1: 37 of 1,208,036 alleles (0.0031%); highest among the groups gnomAD compares: Admixed American, 0.015%; no homozygotes.

Submission:

GeneDx
Classification: Likely benign. Last evaluated: 2016-05-19. Review status: criteria provided, single submitter. Criteria: GeneDx Variant Classification (06012015). Collection method: clinical testing. Allele origin: germline. Affected: yes.
Comment: This variant is considered likely benign or benign based on one or more of the following criteria: it is a conservative change, it occurs at a poorly conserved position in the protein, it is predicted to be benign by multiple in silico algorithms, and/or has population frequency not consistent with disease.

NM_000292.3(PHKA2):c.3345G>A (p.Pro1115=)

Genes: PHKA2 (phosphorylase kinase regulatory subunit alpha 2; minus strand), PHKA2-AS1 (PHKA2 antisense RNA 1; plus strand). Cytogenetic location: Xp22.13.
Variant type: single nucleotide variant.
Coding change: c.3345G>A on transcript NM_000292.3 (MANE Select); coding-DNA position 3345, G replaced by A.
Protein change: p.Pro1115=; no amino-acid change (proline 1115 retained).
Molecular consequence: synonymous variant. On other transcripts: non-coding transcript variant (1).
Genome position (GRCh38, 1-based): chrX:18,894,396, C>T on the plus strand (G>A on the coding strand, the complement: PHKA2 is on the minus strand). VCF-style: chrX-18894396-C-T. GRCh37 (hg19) VCF-style: chrX-18912514-C-T.
Identifiers: ClinVar variation 385816 (VCV000385816.1), dbSNP rs201620564, ClinGen allele CA10361317.
Genomic context (GRCh38, chrX:18,894,396, plus strand): 5'-CTCGGGCTGCGGCACGCGGTTCAGCACCGATTCGACATGGACAGCAAACTTGATCTCATG[C>T]GGGGTCATCTACCAAAGGGACAGGCAGGCAACCACCAGTGAGAGGACAGATGCAGCCCTA-3'
Protein context (NP_000283.1, residues 1105-1125): LPSSTTREMT[Pro1115=]HEIKFAVHVE